The following is an entry in ClinVar:

NM_000160.5(GCGR):c.1250G>A (p.Arg417His)

Gene: GCGR (glucagon receptor; plus strand). Cytogenetic location: 17q25.3.
Variant type: single nucleotide variant.
Coding change: c.1250G>A on transcript NM_000160.5 (MANE Select); coding-DNA position 1250, G replaced by A.
Protein change: p.Arg417His; replaces arginine 417 with histidine.
Molecular consequence: missense variant.
Genome position (GRCh38, 1-based): chr17:81,813,505, G>A. VCF-style: chr17-81813505-G-A. GRCh37 (hg19) VCF-style: chr17-79771381-G-A.
Other names: c.1250G>A (NM_000160.3); short protein forms R417H.
Identifiers: ClinVar variation 1382157 (VCV001382157.9), dbSNP rs893269823, ClinGen allele CA295102392.

ClinVar aggregate classification (germline): Uncertain significance. Review status: criteria provided, multiple submitters, no conflicts (2 of 4 stars). 3 submissions from 3 submitters: Uncertain significance (3). Last evaluated 2025-06-23.

Allele frequency attached by ClinVar (database versions not stated): gnomAD exomes 0.00001 and 0.00009; TOPMed 0.00006; gnomAD 0.00001.
gnomAD v4.1: 18 of 1,535,476 alleles (0.0012%); highest among the groups gnomAD compares: Admixed American, 0.025%; no homozygotes.

Submissions (3):

Ambry Genetics
Classification: Uncertain significance. Last evaluated: 2025-06-23. Review status: criteria provided, single submitter. Criteria: Ambry Variant Classification Scheme 2023. Collection method: clinical testing. Allele origin: germline.

Labcorp Genetics (formerly Invitae), Labcorp
Classification: Uncertain significance. Last evaluated: 2021-08-07. Review status: criteria provided, single submitter. Criteria: Invitae Variant Classification Sherloc (09022015). Collection method: clinical testing. Allele origin: germline.
Comment: This variant is not present in population databases (ExAC no frequency). This sequence change replaces arginine with histidine at codon 417 of the GCGR protein (p.Arg417His). The arginine residue is moderately conserved and there is a small physicochemical difference between arginine and histidine. In summary, the available evidence is currently insufficient to determine the role of this variant in disease. Therefore, it has been classified as a Variant of Uncertain Significance. Algorithms developed to predict the effect of missense changes on protein structure and function output the following: SIFT: "Tolerated"; PolyPhen-2: "Benign"; Align-GVGD: "Class C0". The histidine amino acid residue is found in multiple mammalian species, which suggests that this missense change does not adversely affect protein function. This variant has not been reported in the literature in individuals affected with GCGR-related conditions.

Breakthrough Genomics
Classification: Uncertain significance. Review status: criteria provided, single submitter. Criteria: ACMG Guidelines, 2015. Collection method: not provided. Allele origin: germline. Inheritance: Autosomal recessive inheritance. Affected: yes.